The following is an entry in ClinVar:

NM_172107.4(KCNQ2):c.1378G>A (p.Ala460Thr)

Gene: KCNQ2 (potassium voltage-gated channel subfamily Q member 2; minus strand). Cytogenetic location: 20q13.33.
Variant type: single nucleotide variant.
Coding change: c.1378G>A on transcript NM_172107.4 (MANE Select); coding-DNA position 1378, G replaced by A.
Protein change: p.Ala460Thr; replaces alanine 460 with threonine.
Molecular consequence: missense variant.
Genome position (GRCh38, 1-based): chr20:63,415,050, C>T on the plus strand (G>A on the coding strand, the complement: KCNQ2 is on the minus strand). VCF-style: chr20-63415050-C-T. GRCh37 (hg19) VCF-style: chr20-62046403-C-T.
Other names: c.1324G>A, p.Ala442Thr (NM_001382235.1, NM_172106.3); c.1294G>A, p.Ala432Thr (NM_004518.6); c.1288G>A, p.Ala430Thr (NM_172108.5); c.1378G>A (NM_172107.3); short protein forms A432T, A442T, A460T, A430T.
Identifiers: ClinVar variation 937790 (VCV000937790.13), dbSNP rs1284566908, ClinGen allele CA409646712.

ClinVar aggregate classification (germline): Uncertain significance. Review status: criteria provided, multiple submitters, no conflicts (2 of 4 stars). 3 submissions from 3 submitters: Uncertain significance (2). 1 of the submissions does not count toward it. Last evaluated 2025-03-19.

Conditions:
Inborn genetic diseases. Identifiers: MedGen C0950123, MeSH D030342.
Developmental and epileptic encephalopathy, 7 (DEE7). Also called: Early infantile epileptic encephalopathy 7; KCNQ2-Related Neonatal-Onset Developmental and Epileptic Encephalopathy (NEO-DEE); KCNQ2-Related Neonatal Epileptic Encephalopathy. Identifiers: Orphanet 439218, MedGen C3150986, MONDO:0013387, OMIM 613720.
Early-infantile DEE. Also called: Early infantile epileptic encephalopathy; Ohtahara syndrome; Early infantile epileptic encephalopathy with suppression bursts. Identifiers: Orphanet 1934, MedGen C0393706, MONDO:0800491.

Allele frequency attached by ClinVar (database versions not stated): gnomAD exomes below 0.00001; TOPMed 0.00002.
gnomAD v4.1: 3 of 1,608,182 alleles (0.00019%); highest among the groups gnomAD compares: Non-Finnish European, 0.00017%; no homozygotes.

Submissions (3):

Labcorp Genetics (formerly Invitae), Labcorp
Classification: Uncertain significance for Early-infantile DEE. Last evaluated: 2025-03-19. Review status: criteria provided, single submitter. Criteria: Invitae Variant Classification Sherloc (09022015). Collection method: clinical testing. Allele origin: germline.
Comment: This sequence change replaces alanine, which is neutral and non-polar, with threonine, which is neutral and polar, at codon 460 of the KCNQ2 protein (p.Ala460Thr). The frequency data for this variant in the population databases is considered unreliable, as metrics indicate poor data quality at this position in the gnomAD database. This variant has not been reported in the literature in individuals affected with KCNQ2-related conditions. ClinVar contains an entry for this variant (Variation ID: 937790). Invitae Evidence Modeling of protein sequence and biophysical properties (such as structural, functional, and spatial information, amino acid conservation, physicochemical variation, residue mobility, and thermodynamic stability) has been performed for this missense variant. However, the output from this modeling did not meet the statistical confidence thresholds required to predict the impact of this variant on KCNQ2 protein function. In summary, the available evidence is currently insufficient to determine the role of this variant in disease. Therefore, it has been classified as a Variant of Uncertain Significance.

Ambry Genetics
Classification: Uncertain significance for Inborn genetic diseases. Last evaluated: 2022-07-26. Review status: criteria provided, single submitter. Criteria: Ambry Variant Classification Scheme 2023. Collection method: clinical testing. Allele origin: germline.

Department of Medical and Surgical Sciences, Institute of Neurology, University Magna Graecia of Catanzaro
Classification: Likely pathogenic for Developmental and epileptic encephalopathy, 7. Review status: no assertion criteria provided. Collection method: research. Allele origin: de novo. Affected: yes. Observed: 1 heterozygote. Not counted in ClinVar's aggregate classification.
Comment: The variant arose de novo as the parents were tested negative. The variant was absent from a control cohort and is rare in the general population. In silico tools predicted the pathogenicity of the variant.